The following is an entry in ClinVar:

ClinVar aggregate classification (germline): Uncertain significance (1 of 4 stars; one submission).

Allele frequency attached by ClinVar (database versions not stated): TOPMed below 0.00001; ExAC 0.00001; gnomAD exomes 0.00001; ESP Exome Variant Server 0.00015.
gnomAD v4.1: 24 of 1,613,926 alleles (0.0015%); highest among the groups gnomAD compares: Non-Finnish European, 0.0019%; no homozygotes.

Submission:

Labcorp Genetics (formerly Invitae), Labcorp
Classification: Uncertain significance. Last evaluated: 2024-06-28. Review status: criteria provided, single submitter. Criteria: Invitae Variant Classification Sherloc (09022015). Collection method: clinical testing. Allele origin: germline.
Comment: This sequence change replaces aspartic acid, which is acidic and polar, with alanine, which is neutral and non-polar, at codon 652 of the GEN1 protein (p.Asp652Ala). This variant is present in population databases (rs141313079, gnomAD 0.0009%). This variant has not been reported in the literature in individuals affected with GEN1-related conditions. ClinVar contains an entry for this variant (Variation ID: 1002563). An algorithm developed to predict the effect of missense changes on protein structure and function (PolyPhen-2) suggests that this variant is likely to be tolerated. In summary, the available evidence is currently insufficient to determine the role of this variant in disease. Therefore, it has been classified as a Variant of Uncertain Significance.

NM_001130009.3(GEN1):c.1955A>C (p.Asp652Ala)

Gene: GEN1 (GEN1 structure-specific endonuclease; plus strand). Cytogenetic location: 2p24.2.
Variant type: single nucleotide variant.
Coding change: c.1955A>C on transcript NM_001130009.3 (MANE Select); coding-DNA position 1955, A replaced by C.
Protein change: p.Asp652Ala; replaces aspartic acid 652 with alanine.
Molecular consequence: missense variant.
Genome position (GRCh38, 1-based): chr2:17,781,167, A>C. VCF-style: chr2-17781167-A-C. GRCh37 (hg19) VCF-style: chr2-17962434-A-C.
Other names: c.1955A>C, p.Asp652Ala (NM_182625.5); short protein forms D652A.
Identifiers: ClinVar variation 1002563 (VCV001002563.8), dbSNP rs141313079, ClinGen allele CA1540864.
Genomic context (GRCh38, chr2:17,781,167, plus strand): 5'-TGTCCTGTGAATCAGAAAGGTACACTGCAAACATAAAGAAAGTGTTGGATGAGGATTCTG[A>C]TGGGATTAGTCCTGAAGAGCATCTACTTTCTGGCATTACTGATTTATGTCTTCAGGATTT-3'
Protein context (NP_001123481.3, residues 642-662): NIKKVLDEDS[Asp652Ala]GISPEEHLLS